The following is an entry in ClinVar:

NM_203447.4(DOCK8):c.2141G>T (p.Trp714Leu)

Gene: DOCK8 (dedicator of cytokinesis 8; plus strand). Cytogenetic location: 9p24.3.
Variant type: single nucleotide variant.
Coding change: c.2141G>T on transcript NM_203447.4 (MANE Select); coding-DNA position 2141, G replaced by T.
Protein change: p.Trp714Leu; replaces tryptophan 714 with leucine.
Molecular consequence: missense variant.
Genome position (GRCh38, 1-based): chr9:376,241, G>T. VCF-style: chr9-376241-G-T. GRCh37 (hg19) VCF-style: chr9-376241-G-T.
Other names: c.1937G>T, p.Trp646Leu (NM_001190458.2, NM_001193536.2); short protein forms W646L, W714L.
Identifiers: ClinVar variation 1393107 (VCV001393107.8), dbSNP rs2131256269, ClinGen allele CA372762856.
Genomic context (GRCh38, chr9:376,241, plus strand): 5'-CTAATCTTTTTTTTTTCTCTTTAACACAGAAAGTCCCATTACAGAATCCTCCCATTAAGT[G>T]GGCTGAAGGACATAAGGGAGTATTTAATATTGAAGTGCAAGCTGTTTCTTCTGTACACAC-3'
Protein context (NP_982272.2, residues 704-724): KVPLQNPPIK[Trp714Leu]AEGHKGVFNI

ClinVar aggregate classification (germline): Uncertain significance (1 of 4 stars; one submission).

Conditions:
Combined immunodeficiency due to DOCK8 deficiency (HIES2). Also called: HIES autosomal recessive; Hyper-IgE recurrent infection syndrome, autosomal recessive; HYPER-IgE RECURRENT INFECTION SYNDROME 2, AUTOSOMAL RECESSIVE; HYPER-IgE SYNDROME 2, AUTOSOMAL RECESSIVE, WITH RECURRENT INFECTIONS; DOCK8 Deficiency. Identifiers: Orphanet 217390, MedGen C4722305, MONDO:0009478, OMIM 243700.

Submission:

Labcorp Genetics (formerly Invitae), Labcorp
Classification: Uncertain significance for Combined immunodeficiency due to DOCK8 deficiency. Last evaluated: 2023-10-13. Review status: criteria provided, single submitter. Criteria: Invitae Variant Classification Sherloc (09022015). Collection method: clinical testing. Allele origin: germline.
Comment: This sequence change replaces tryptophan, which is neutral and slightly polar, with leucine, which is neutral and non-polar, at codon 714 of the DOCK8 protein (p.Trp714Leu). This variant is not present in population databases (gnomAD no frequency). This variant has not been reported in the literature in individuals affected with DOCK8-related conditions. ClinVar contains an entry for this variant (Variation ID: 1393107). Advanced modeling of protein sequence and biophysical properties (such as structural, functional, and spatial information, amino acid conservation, physicochemical variation, residue mobility, and thermodynamic stability) has been performed at Invitae for this missense variant, however the output from this modeling did not meet the statistical confidence thresholds required to predict the impact of this variant on DOCK8 protein function. In summary, the available evidence is currently insufficient to determine the role of this variant in disease. Therefore, it has been classified as a Variant of Uncertain Significance.